The following is an entry in ClinVar:

ClinVar aggregate classification (germline): Pathogenic (1 of 4 stars; one submission).

Conditions:
Emery-Dreifuss muscular dystrophy 4, autosomal dominant (EDMD4). Also called: EMERY-DREIFUSS MUSCULAR DYSTROPHY 4 WITH VARIABLE FEATURES. Identifiers: Orphanet 261, MedGen C2751807, MONDO:0013071, OMIM 612998.
Autosomal recessive ataxia, Beauce type. Also called: ATAXIA, RECESSIVE, OF BEAUCE; SYNE1 Deficiency; Spinocerebellar ataxia, autosomal recessive 8; SYNE1-Related Autosomal Recessive Cerebellar Ataxia. Identifiers: Orphanet 88644, MedGen C1853116, MONDO:0012549, OMIM 610743.

Allele frequency attached by ClinVar (database versions not stated): gnomAD exomes below 0.00001.
gnomAD v4.1: 3 of 1,614,068 alleles (0.00019%); highest among the groups gnomAD compares: Non-Finnish European, 0.00025%; no homozygotes.

Submission:

Labcorp Genetics (formerly Invitae), Labcorp
Classification: Pathogenic for Emery-Dreifuss muscular dystrophy 4, autosomal dominant; Autosomal recessive ataxia, Beauce type. Last evaluated: 2019-12-06. Review status: criteria provided, single submitter. Criteria: Invitae Variant Classification Sherloc (09022015). Collection method: clinical testing. Allele origin: germline.
Comment: This sequence change creates a premature translational stop signal (p.Gln853*) in the SYNE1 gene. It is expected to result in an absent or disrupted protein product. For these reasons, this variant has been classified as Pathogenic. Loss-of-function variants in SYNE1 are known to be pathogenic (PMID: 27086870). This variant has not been reported in the literature in individuals with SYNE1-related conditions. This variant is not present in population databases (ExAC no frequency).

Literature cited by the submitters: PubMed 27086870.

NM_182961.4(SYNE1):c.2536C>T (p.Gln846Ter)

Gene: SYNE1 (spectrin repeat containing nuclear envelope protein 1; minus strand). Cytogenetic location: 6q25.2.
Variant type: single nucleotide variant.
Coding change: c.2536C>T on transcript NM_182961.4 (MANE Select); coding-DNA position 2536, C replaced by T.
Protein change: p.Gln846Ter; replaces glutamine 846 with a stop codon.
Molecular consequence: nonsense.
Genome position (GRCh38, 1-based): chr6:152,458,789, G>A on the plus strand (C>T on the coding strand, the complement: SYNE1 is on the minus strand). VCF-style: chr6-152458789-G-A. GRCh37 (hg19) VCF-style: chr6-152779924-G-A.
Other names: c.2557C>T, p.Gln853Ter (NM_033071.5); short protein forms Q853*, Q846*.
Identifiers: ClinVar variation 863071 (VCV000863071.7), dbSNP rs2098713648, ClinGen allele CA366116796.